The following is an entry in ClinVar:

ClinVar aggregate classification (germline): Uncertain significance (1 of 4 stars; one submission).

Conditions:
Tuberous sclerosis 2 (TSC2). Identifiers: Orphanet 805, MedGen C1860707, MONDO:0013199, OMIM 613254.

Submission:

Labcorp Genetics (formerly Invitae), Labcorp
Classification: Uncertain significance for Tuberous sclerosis 2. Last evaluated: 2023-02-04. Review status: criteria provided, single submitter. Criteria: Invitae Variant Classification Sherloc (09022015). Collection method: clinical testing. Allele origin: germline.
Comment: In summary, the available evidence is currently insufficient to determine the role of this variant in disease. Therefore, it has been classified as a Variant of Uncertain Significance. Advanced modeling of protein sequence and biophysical properties (such as structural, functional, and spatial information, amino acid conservation, physicochemical variation, residue mobility, and thermodynamic stability) performed at Invitae indicates that this missense variant is not expected to disrupt TSC2 protein function. This variant has not been reported in the literature in individuals affected with TSC2-related conditions. This variant is not present in population databases (gnomAD no frequency). This sequence change replaces threonine, which is neutral and polar, with proline, which is neutral and non-polar, at codon 831 of the TSC2 protein (p.Thr831Pro).

NM_000548.5(TSC2):c.2491A>C (p.Thr831Pro)

Gene: TSC2 (TSC complex subunit 2; plus strand). Cytogenetic location: 16p13.3.
Variant type: single nucleotide variant.
Coding change: c.2491A>C on transcript NM_000548.5 (MANE Select); coding-DNA position 2491, A replaced by C.
Protein change: p.Thr831Pro; replaces threonine 831 with proline.
Molecular consequence: missense variant. On other transcripts: non-coding transcript variant (5).
Genome position (GRCh38, 1-based): chr16:2,074,335, A>C. VCF-style: chr16-2074335-A-C. GRCh37 (hg19) VCF-style: chr16-2124336-A-C.
Other names: c.2491A>C, p.Thr831Pro (NM_001077183.3, NM_001114382.3, NM_001363528.2 and 6 more transcripts); c.2380A>C, p.Thr794Pro (NM_001318827.2, NM_001406670.1, NM_001406678.1); c.2344A>C, p.Thr782Pro (NM_001318829.2, NM_001406675.1, NM_001406676.1 and 1 more transcripts); c.1891A>C, p.Thr631Pro (NM_001318831.2, NM_001406682.1, NM_001406683.1 and 6 more transcripts); c.2524A>C, p.Thr842Pro (NM_001318832.2); c.2581A>C, p.Thr861Pro (NM_001406667.1, NM_001406668.1); c.1147A>C, p.Thr383Pro (NM_001406689.1, NM_001406690.1, NM_001406691.1 and 6 more transcripts); c.889A>C, p.Thr297Pro (NM_001406698.1); and 3 more; short protein forms T677P, T297P, T631P, T794P, T861P, T782P, T812P, T827P.
Identifiers: ClinVar variation 2834590 (VCV002834590.3), dbSNP rs2151353949, ClinGen allele CA394277779.